The following is an entry in ClinVar:

NM_004259.7(RECQL5):c.2637C>T (p.Val879=)

Gene: RECQL5 (RecQ like helicase 5; minus strand). Cytogenetic location: 17q25.1.
Variant type: single nucleotide variant.
Coding change: c.2637C>T on transcript NM_004259.7 (MANE Select); coding-DNA position 2637, C replaced by T.
Protein change: p.Val879=; no amino-acid change (valine 879 retained).
Molecular consequence: synonymous variant.
Genome position (GRCh38, 1-based): chr17:75,628,386, G>A on the plus strand (C>T on the coding strand, the complement: RECQL5 is on the minus strand). VCF-style: chr17-75628386-G-A. GRCh37 (hg19) VCF-style: chr17-73624466-G-A.
Identifiers: ClinVar variation 3039708 (VCV003039708.2), dbSNP rs140010427, ClinGen allele CA8766969.

ClinVar aggregate classification (germline): Benign (0 of 4 stars; one submission).

Conditions:
RECQL5-related disorder. Also called: RECQL5-related condition.

Allele frequency attached by ClinVar (database versions not stated): ESP Exome Variant Server 0.00048; gnomAD exomes 0.00072; ExAC 0.00159; 1000 Genomes Project 30x 0.00265; 1000 Genomes Project 0.00319.
gnomAD v4.1: 1,206 of 1,613,990 alleles (0.075%); highest among the groups gnomAD compares: East Asian, 1.2%; 7 homozygotes.

Submission:

PreventionGenetics, part of Exact Sciences
Classification: Benign for RECQL5-related condition. Last evaluated: 2019-12-16. Review status: no assertion criteria provided. Collection method: clinical testing. Allele origin: germline.
Comment: This variant is classified as benign based on ACMG/AMP sequence variant interpretation guidelines (Richards et al. 2015 PMID: 25741868, with internal and published modifications).